The following is an entry in ClinVar:

NM_006160.4(NEUROD2):c.713C>A (p.Pro238His)

Gene: NEUROD2 (neuronal differentiation 2; minus strand). Cytogenetic location: 17q12.
Variant type: single nucleotide variant.
Coding change: c.713C>A on transcript NM_006160.4 (MANE Select); coding-DNA position 713, C replaced by A.
Protein change: p.Pro238His; replaces proline 238 with histidine.
Molecular consequence: missense variant.
Genome position (GRCh38, 1-based): chr17:39,605,887, G>T on the plus strand (C>A on the coding strand, the complement: NEUROD2 is on the minus strand). VCF-style: chr17-39605887-G-T. GRCh37 (hg19) VCF-style: chr17-37762140-G-T.
Other names: short protein forms P238H.
Identifiers: ClinVar variation 4075599 (VCV004075599.1).

ClinVar aggregate classification (germline): Uncertain significance (1 of 4 stars; one submission).

Submission:

GeneDx
Classification: Uncertain significance. Last evaluated: 2025-02-13. Review status: criteria provided, single submitter. Criteria: GeneDx Variant Classification Process June 2021. Collection method: clinical testing. Allele origin: germline. Affected: yes.
Comment: Not observed at significant frequency in large population cohorts (gnomAD); In silico analysis indicates that this missense variant does not alter protein structure/function; Has not been previously published as pathogenic or benign to our knowledge